The following is an entry in ClinVar:

ClinVar aggregate classification (germline): Uncertain significance (1 of 4 stars; one submission).

Conditions:
Symmetrical dyschromatosis of extremities (DSH). Also called: RETICULATE ACROPIGMENTATION OF DOHI; SYMMETRIC DYSCHROMATOSIS OF THE EXTREMITIES; Dyschromatosis symmetrica hereditaria; DYSCHROMATOSIS SYMMETRICA HEREDITARIA 1. Identifiers: Orphanet 41, MedGen C0406775, MONDO:0007483, OMIM 127400.
Aicardi-Goutieres syndrome 6 (AGS6). Identifiers: Orphanet 51, MedGen C3539013, MONDO:0014007, OMIM 615010.

Submission:

Labcorp Genetics (formerly Invitae), Labcorp
Classification: Uncertain significance for Aicardi-Goutieres syndrome 6; Symmetrical dyschromatosis of extremities. Last evaluated: 2022-11-15. Review status: criteria provided, single submitter. Criteria: Invitae Variant Classification Sherloc (09022015). Collection method: clinical testing. Allele origin: germline.
Comment: This sequence change replaces asparagine, which is neutral and polar, with serine, which is neutral and polar, at codon 522 of the ADAR protein (p.Asn522Ser). This variant is not present in population databases (gnomAD no frequency). In summary, the available evidence is currently insufficient to determine the role of this variant in disease. Therefore, it has been classified as a Variant of Uncertain Significance. Advanced modeling of protein sequence and biophysical properties (such as structural, functional, and spatial information, amino acid conservation, physicochemical variation, residue mobility, and thermodynamic stability) performed at Invitae indicates that this missense variant is not expected to disrupt ADAR protein function. This variant has not been reported in the literature in individuals affected with ADAR-related conditions.

NM_001111.5(ADAR):c.1565A>G (p.Asn522Ser)

Gene: ADAR (adenosine deaminase RNA specific; minus strand). Cytogenetic location: 1q21.3.
Variant type: single nucleotide variant.
Coding change: c.1565A>G on transcript NM_001111.5 (MANE Select); coding-DNA position 1565, A replaced by G.
Protein change: p.Asn522Ser; replaces asparagine 522 with serine.
Molecular consequence: missense variant.
Genome position (GRCh38, 1-based): chr1:154,601,077, T>C on the plus strand (A>G on the coding strand, the complement: ADAR is on the minus strand). VCF-style: chr1-154601077-T-C. GRCh37 (hg19) VCF-style: chr1-154573553-T-C.
Other names: c.680A>G, p.Asn227Ser (NM_001025107.3, NM_001193495.2, NM_001365046.1 and 3 more transcripts); c.1592A>G, p.Asn531Ser (NM_001365045.1); c.1565A>G, p.Asn522Ser (NM_015840.4, NM_015841.4); short protein forms N522S, N531S, N227S.
Identifiers: ClinVar variation 2940909 (VCV002940909.3), dbSNP rs766604638, ClinGen allele CA342595989.
Genomic context (GRCh38, chr1:154,601,077, plus strand): 5'-TACAGTTCCTGGGTGGTCTCTTACCGAGGTTCATGGGGTGGTCCACTCTGCTCTATCATG[T>C]TGAACTCACAGGTTTGACTAGCGAACTGGGCATATTCTAACAGCCCGCTGATGGGGTTCT-3'
Protein context (NP_001102.3, residues 512-532): AQFASQTCEF[Asn522Ser]MIEQSGPPHE